The following is an entry in ClinVar:

ClinVar aggregate classification (germline): Uncertain significance (1 of 4 stars; one submission).

Submission:

Labcorp Genetics (formerly Invitae), Labcorp
Classification: Uncertain significance. Last evaluated: 2023-12-02. Review status: criteria provided, single submitter. Criteria: Invitae Variant Classification Sherloc (09022015). Collection method: clinical testing. Allele origin: germline.
Comment: This sequence change replaces methionine, which is neutral and non-polar, with arginine, which is basic and polar, at codon 256 of the NFKB1 protein (p.Met256Arg). This variant is not present in population databases (gnomAD no frequency). This variant has not been reported in the literature in individuals affected with NFKB1-related conditions. Advanced modeling of protein sequence and biophysical properties (such as structural, functional, and spatial information, amino acid conservation, physicochemical variation, residue mobility, and thermodynamic stability) performed at Invitae indicates that this missense variant is expected to disrupt NFKB1 protein function with a positive predictive value of 80%. In summary, the available evidence is currently insufficient to determine the role of this variant in disease. Therefore, it has been classified as a Variant of Uncertain Significance.

NM_003998.4(NFKB1):c.767T>G (p.Met256Arg)

Gene: NFKB1 (nuclear factor kappa B subunit 1; plus strand). Cytogenetic location: 4q24.
Variant type: single nucleotide variant.
Coding change: c.767T>G on transcript NM_003998.4 (MANE Select); coding-DNA position 767, T replaced by G.
Protein change: p.Met256Arg; replaces methionine 256 with arginine.
Molecular consequence: missense variant.
Genome position (GRCh38, 1-based): chr4:102,580,571, T>G. VCF-style: chr4-102580571-T-G. GRCh37 (hg19) VCF-style: chr4-103501728-T-G.
Other names: c.764T>G, p.Met255Arg (NM_001165412.2, NM_001319226.2, NM_001382627.1); c.767T>G, p.Met256Arg (NM_001382625.1, NM_001382626.1); c.725T>G, p.Met242Arg (NM_001382628.1); short protein forms M242R, M255R, M256R.
Identifiers: ClinVar variation 2700558 (VCV002700558.3), dbSNP rs2476425468, ClinGen allele CA357960029.
Genomic context (GRCh38, chr4:102,580,571, plus strand): 5'-TTGTTGTTTTTCCCCTGTGAACAGAAGCCCCCAATGCATCCAACTTGAAAATTGTAAGAA[T>G]GGACAGGACAGCTGGATGTGTGACTGGAGGGGAGGAAATTTATCTTCTTTGTGACAAAGT-3'
Protein context (NP_003989.2, residues 246-266): PNASNLKIVR[Met256Arg]DRTAGCVTGG